The following is an entry in ClinVar:

NM_032575.3(GLIS2):c.656+8G>C

Gene: GLIS2 (GLIS family zinc finger 2; plus strand). Cytogenetic location: 16p13.3.
Variant type: single nucleotide variant.
Coding change: c.656+8G>C on transcript NM_032575.3 (MANE Select); 8 bases into the intron after coding-DNA position 656, G replaced by C.
Molecular consequence: intron variant.
Genome position (GRCh38, 1-based): chr16:4,335,201, G>C. VCF-style: chr16-4335201-G-C. GRCh37 (hg19) VCF-style: chr16-4385202-G-C.
Other names: c.656+8G>C (NM_001318918.2).
Identifiers: ClinVar variation 3051117 (VCV003051117.2), dbSNP rs1195668876, ClinGen allele CA620715237.

ClinVar aggregate classification (germline): Likely benign (0 of 4 stars; one submission).

Conditions:
GLIS2-related disorder. Also called: GLIS2-related condition.

Allele frequency attached by ClinVar (database versions not stated): TOPMed below 0.00001.
gnomAD v4.1: 23 of 1,613,502 alleles (0.0014%); highest among the groups gnomAD compares: South Asian, 0.0033%; no homozygotes.

Submission:

PreventionGenetics, part of Exact Sciences
Classification: Likely benign for GLIS2-related condition. Last evaluated: 2022-12-22. Review status: no assertion criteria provided. Collection method: clinical testing. Allele origin: germline.
Comment: This variant is classified as likely benign based on ACMG/AMP sequence variant interpretation guidelines (Richards et al. 2015 PMID: 25741868, with internal and published modifications).